The following is an entry in ClinVar:

NM_001918.5(DBT):c.884A>G (p.Lys295Arg)

Gene: DBT (dihydrolipoamide branched chain transacylase E2; minus strand). Cytogenetic location: 1p21.2.
Variant type: single nucleotide variant.
Coding change: c.884A>G on transcript NM_001918.5 (MANE Select); coding-DNA position 884, A replaced by G.
Protein change: p.Lys295Arg; replaces lysine 295 with arginine.
Molecular consequence: missense variant.
Genome position (GRCh38, 1-based): chr1:100,214,872, T>C on the plus strand (A>G on the coding strand, the complement: DBT is on the minus strand). VCF-style: chr1-100214872-T-C. GRCh37 (hg19) VCF-style: chr1-100680428-T-C.
Other names: short protein forms K295R.
Identifiers: ClinVar variation 1485544 (VCV001485544.5), dbSNP rs139216072, ClinGen allele CA969645.

ClinVar aggregate classification (germline): Uncertain significance (1 of 4 stars; one submission).

Conditions:
Maple syrup urine disease (MSUD). Identifiers: Orphanet 511, MedGen C0024776, MeSH D008375, MONDO:0009563. Disease mechanism: loss of function.

Allele frequency attached by ClinVar (database versions not stated): gnomAD 0.00001; gnomAD exomes 0.00001; TOPMed 0.00001; ExAC 0.00002; ESP Exome Variant Server 0.00008.
gnomAD v4.1: 9 of 1,614,034 alleles (0.00056%); highest among the groups gnomAD compares: Non-Finnish European, 0.00076%; no homozygotes.

Submission:

Labcorp Genetics (formerly Invitae), Labcorp
Classification: Uncertain significance for Maple syrup urine disease. Last evaluated: 2021-09-02. Review status: criteria provided, single submitter. Criteria: Invitae Variant Classification Sherloc (09022015). Collection method: clinical testing. Allele origin: germline.
Comment: This sequence change replaces lysine with arginine at codon 295 of the DBT protein (p.Lys295Arg). The lysine residue is highly conserved and there is a small physicochemical difference between lysine and arginine. This variant is present in population databases (rs139216072, ExAC 0.004%). This variant has not been reported in the literature in individuals affected with DBT-related conditions. Advanced modeling of protein sequence and biophysical properties (such as structural, functional, and spatial information, amino acid conservation, physicochemical variation, residue mobility, and thermodynamic stability) performed at Invitae indicates that this missense variant is not expected to disrupt DBT protein function. In summary, the available evidence is currently insufficient to determine the role of this variant in disease. Therefore, it has been classified as a Variant of Uncertain Significance.